The following is an entry in ClinVar:

ClinVar aggregate classification (germline): Benign. Review status: criteria provided, multiple submitters, no conflicts (2 of 4 stars). 2 submissions from 2 submitters: Benign (2). Last evaluated 2018-06-16.

Allele frequency attached by ClinVar (database versions not stated): 1000 Genomes Project 0.04768; gnomAD 0.04793 and 0.05150; 1000 Genomes Project 30x 0.04995; TOPMed 0.05525.
gnomAD v4.1: 5,285 of 111,114 alleles (4.8%); highest among the groups gnomAD compares: African/African-American, 16%; 323 homozygotes.

Submissions (2):

GeneDx
Classification: Benign. Last evaluated: 2018-06-16. Review status: criteria provided, single submitter. Criteria: GeneDx Variant Classification (06012015). Collection method: clinical testing. Allele origin: germline. Affected: yes.
Comment: This variant is considered likely benign or benign based on one or more of the following criteria: it is a conservative change, it occurs at a poorly conserved position in the protein, it is predicted to be benign by multiple in silico algorithms, and/or has population frequency not consistent with disease.

Breakthrough Genomics
Classification: Benign. Review status: criteria provided, single submitter. Criteria: ACMG Guidelines, 2015. Collection method: not provided. Allele origin: germline. Inheritance: X-linked inheritance. Affected: yes.

NM_001110556.2(FLNA):c.374-166C>A

Gene: FLNA (filamin A; minus strand). Cytogenetic location: Xq28.
Variant type: single nucleotide variant.
Coding change: c.374-166C>A on transcript NM_001110556.2 (MANE Select); 166 bases into the intron before coding-DNA position 374, C replaced by A.
Molecular consequence: intron variant.
Genome position (GRCh38, 1-based): chrX:154,368,256, G>T on the plus strand (C>A on the coding strand, the complement: FLNA is on the minus strand). VCF-style: chrX-154368256-G-T. GRCh37 (hg19) VCF-style: chrX-153596624-G-T.
Other names: c.374-166C>A (NM_001456.4).
Identifiers: ClinVar variation 675545 (VCV000675545.2), dbSNP rs142342229, ClinGen allele CA337284609.